The following is an entry in ClinVar:

NM_001148.6(ANK2):c.10366G>A (p.Gly3456Ser)

Gene: ANK2 (ankyrin 2; plus strand). Cytogenetic location: 4q26.
Variant type: single nucleotide variant.
Coding change: c.10366G>A on transcript NM_001148.6 (MANE Select); coding-DNA position 10366, G replaced by A.
Protein change: p.Gly3456Ser; replaces glycine 3456 with serine.
Molecular consequence: missense variant. On other transcripts: intron variant (68).
Genome position (GRCh38, 1-based): chr4:113,358,984, G>A. VCF-style: chr4-113358984-G-A. GRCh37 (hg19) VCF-style: chr4-114280140-G-A.
Other names: c.10132G>A, p.Gly3378Ser (NM_001386142.1); c.6766G>A, p.Gly2256Ser (NM_001386166.1); c.10507G>A, p.Gly3503Ser (NM_001386174.1); c.10483G>A, p.Gly3495Ser (NM_001386175.1); c.4412-1839G>A (NM_001386186.2, NM_001386148.2); c.4214-1839G>A (NM_001354269.3); c.4292-1839G>A (NM_001386187.2); c.4253-1839G>A (NM_001386147.1); and 35 more; short protein forms G3503S, G3456S, G3378S, G3495S, G2256S.
Identifiers: ClinVar variation 2007814 (VCV002007814.4), dbSNP rs1477856046, ClinGen allele CA357940249.

ClinVar aggregate classification (germline): Uncertain significance (1 of 4 stars; one submission).

Conditions:
Long QT syndrome (LQTS). Identifiers: MedGen C0023976, MeSH D008133, MONDO:0002442. Disease mechanism: loss of function. Inheritance: Various modes of inheritance.

Allele frequency attached by ClinVar (database versions not stated): gnomAD exomes below 0.00001.
gnomAD v4.1: 1 of 1,614,040 alleles (0.000062%); highest among the groups gnomAD compares: South Asian, 0.0011%; no homozygotes.

Submission:

Labcorp Genetics (formerly Invitae), Labcorp
Classification: Uncertain significance for Long QT syndrome. Last evaluated: 2024-01-08. Review status: criteria provided, single submitter. Criteria: Invitae Variant Classification Sherloc (09022015). Collection method: clinical testing. Allele origin: germline.
Comment: This sequence change replaces glycine, which is neutral and non-polar, with serine, which is neutral and polar, at codon 3456 of the ANK2 protein (p.Gly3456Ser). This variant is present in population databases (no rsID available, gnomAD 0.003%). This variant has not been reported in the literature in individuals affected with ANK2-related conditions. ClinVar contains an entry for this variant (Variation ID: 2007814). Algorithms developed to predict the effect of missense changes on protein structure and function output the following: SIFT: "Not Available"; PolyPhen-2: "Benign"; Align-GVGD: "Not Available". The serine amino acid residue is found in multiple mammalian species, which suggests that this missense change does not adversely affect protein function. In summary, the available evidence is currently insufficient to determine the role of this variant in disease. Therefore, it has been classified as a Variant of Uncertain Significance.